The following is an entry in ClinVar:

ClinVar aggregate classification (germline): Pathogenic. Review status: criteria provided, multiple submitters, no conflicts (2 of 4 stars). 3 submissions from 3 submitters: Pathogenic (3). Last evaluated 2025-04-11.

Conditions:
Familial adenomatous polyposis 4 (FAP4). Also called: MSH3-related attenuated familial adenomatous polyposis. Identifiers: Orphanet 480536, MedGen C4310719, MONDO:0044300, OMIM 617100.
Hereditary cancer-predisposing syndrome. Also called: Neoplastic Syndromes, Hereditary; Hereditary neoplastic syndrome; Hereditary Cancer Syndrome; Tumor predisposition. Identifiers: Orphanet 140162, MedGen C0027672, MeSH D009386, MONDO:0015356.

Submissions (3):

Ambry Genetics
Classification: Pathogenic for Hereditary cancer-predisposing syndrome. Last evaluated: 2025-04-11. Review status: criteria provided, single submitter. Criteria: Ambry Variant Classification Scheme 2023. Collection method: clinical testing. Allele origin: germline.
Comment: The c.846delA pathogenic mutation, located in coding exon 5 of the MSH3 gene, results from a deletion of one nucleotide at nucleotide position 846, causing a translational frameshift with a predicted alternate stop codon (p.A283Qfs*25). This variant is considered to be rare based on population cohorts in the Genome Aggregation Database (gnomAD). This alteration is expected to result in loss of function by premature protein truncation or nonsense-mediated mRNA decay. As such, this alteration is interpreted as a disease-causing mutation.

Labcorp Genetics (formerly Invitae), Labcorp
Classification: Pathogenic. Last evaluated: 2025-03-03. Review status: criteria provided, single submitter. Criteria: Invitae Variant Classification Sherloc (09022015). Collection method: clinical testing. Allele origin: germline.
Comment: This sequence change creates a premature translational stop signal (p.Ala283Glnfs*25) in the MSH3 gene. It is expected to result in an absent or disrupted protein product. Loss-of-function variants in MSH3 are known to be pathogenic (PMID: 27476653, 37402566). This variant is not present in population databases (gnomAD no frequency). This variant has not been reported in the literature in individuals affected with MSH3-related conditions. ClinVar contains an entry for this variant (Variation ID: 2431316). For these reasons, this variant has been classified as Pathogenic.

Myriad Genetics, Inc.
Classification: Pathogenic for Familial adenomatous polyposis 4. Last evaluated: 2023-01-11. Review status: criteria provided, single submitter. Criteria: Myriad Autosomal Dominant, Autosomal Recessive and X-Linked Classification Criteria (2023). Collection method: clinical testing. Allele origin: unknown.
Comment: This variant is considered pathogenic. This variant creates a frameshift predicted to result in premature protein truncation.

Literature cited by the submitters: PubMed 27476653 (cited by Labcorp Genetics (formerly Invitae), Labcorp); PubMed 37402566 (cited by Labcorp Genetics (formerly Invitae), Labcorp).

NM_002439.5(MSH3):c.846del (p.Ala283fs)

Gene: MSH3 (mutS homolog 3; plus strand). Cytogenetic location: 5q14.1.
Variant type: Deletion.
Coding change: c.846del on transcript NM_002439.5 (MANE Select); coding-DNA position 846, one base deleted (A; older notation c.846delA).
Protein change: p.Ala283fs; shifts the reading frame from alanine 283.
Molecular consequence: frameshift variant.
Genome position (GRCh38, 1-based): chr5:80,672,297, A deleted. VCF-style (leftmost placement, unchanged base first): chr5-80672296-CA-C. GRCh37 (hg19) VCF-style: chr5-79968115-CA-C.
Other names: c.846delA (NM_002439.3); short protein forms A283fs.
Identifiers: ClinVar variation 2431316 (VCV002431316.3), dbSNP rs2546722393, ClinGen allele CA2580073544.